The following is an entry in ClinVar:

NM_001171.6(ABCC6):c.1225G>A (p.Val409Met)

Gene: ABCC6 (ATP binding cassette subfamily C member 6; minus strand). Cytogenetic location: 16p13.11.
Variant type: single nucleotide variant.
Coding change: c.1225G>A on transcript NM_001171.6 (MANE Select); coding-DNA position 1225, G replaced by A.
Protein change: p.Val409Met; replaces valine 409 with methionine.
Molecular consequence: missense variant. On other transcripts: non-coding transcript variant (4).
Genome position (GRCh38, 1-based): chr16:16,198,134, C>T on the plus strand (G>A on the coding strand, the complement: ABCC6 is on the minus strand). VCF-style: chr16-16198134-C-T. GRCh37 (hg19) VCF-style: chr16-16291991-C-T.
Other names: c.883G>A, p.Val295Met (NM_001351800.1); c.1225G>A, p.Val409Met (NM_001440309.1, NM_001440310.1); short protein forms V295M, V409M.
Identifiers: ClinVar variation 5020647 (VCV005020647.1).

ClinVar aggregate classification (germline): Uncertain significance (1 of 4 stars; one submission).

gnomAD v4.1: 5 of 1,611,126 alleles (0.00031%); highest among the groups gnomAD compares: Non-Finnish European, 0.00034%; no homozygotes.

Submission:

Dasa
Classification: Uncertain significance. Last evaluated: 2026-05-01. Review status: criteria provided, single submitter. Criteria: DASA Assertion Criteria. Collection method: clinical testing. Allele origin: germline.
Comment: NM_001171.6(ABCC6):c.1225G>A (p.Val409Met) is a missense variant that results in the substitution of valine with methionine. This variant is rare in population databases. The currently available literature and clinical evidence are not sufficient to establish a definitive association between this variant and the reported condition. Therefore, this variant is classified as a variant of uncertain significance.